The following is an entry in ClinVar:

NM_001100913.3(PACS2):c.461G>T (p.Ser154Ile)

Gene: PACS2 (phosphofurin acidic cluster sorting protein 2; plus strand). Cytogenetic location: 14q32.33.
Variant type: single nucleotide variant.
Coding change: c.461G>T on transcript NM_001100913.3 (MANE Select); coding-DNA position 461, G replaced by T.
Protein change: p.Ser154Ile; replaces serine 154 with isoleucine.
Molecular consequence: missense variant.
Genome position (GRCh38, 1-based): chr14:105,367,250, G>T. VCF-style: chr14-105367250-G-T. GRCh37 (hg19) VCF-style: chr14-105833587-G-T.
Other names: c.260G>T, p.Ser87Ile (NM_001243127.3); c.461G>T, p.Ser154Ile (NM_015197.4); short protein forms S154I, S87I.
Identifiers: ClinVar variation 1253692 (VCV001253692.2), dbSNP rs1555408160, ClinGen allele CA391172912.

ClinVar aggregate classification (germline): Uncertain significance (1 of 4 stars; one submission).

Submission:

GeneDx
Classification: Uncertain significance. Last evaluated: 2021-08-21. Review status: criteria provided, single submitter. Criteria: GeneDx Variant Classification Process June 2021. Collection method: clinical testing. Allele origin: germline. Affected: yes.
Comment: Not observed at significant frequency in large population cohorts (Lek et al., 2016); In silico analysis supports that this missense variant has a deleterious effect on protein structure/function; Has not been previously published as pathogenic or benign to our knowledge; This variant is associated with the following publications: (PMID: 27535533)